The following is an entry in ClinVar:

NM_139279.6(MCFD2):c.*1010G>T

Genes: MCFD2 (multiple coagulation factor deficiency 2, ER cargo receptor complex subunit; minus strand), MCFD2-AS1 (MCFD2 antisense RNA 1; plus strand). Cytogenetic location: 2p21.
Variant type: single nucleotide variant.
Coding change: c.*1010G>T on transcript NM_139279.6 (MANE Select); 1010 bases downstream of the stop codon, G replaced by T.
Molecular consequence: 3 prime UTR variant.
Genome position (GRCh38, 1-based): chr2:46,904,453, C>A on the plus strand (G>T on the coding strand, the complement: MCFD2 is on the minus strand). VCF-style: chr2-46904453-C-A. GRCh37 (hg19) VCF-style: chr2-47131592-C-A.
Other names: c.*1010G>T (NM_001171506.2, NM_001171507.2, NM_001171508.2 and 3 more transcripts).
Identifiers: ClinVar variation 336365 (VCV000336365.5), dbSNP rs138758588, ClinGen allele CA10615693.

ClinVar aggregate classification (germline): Benign (1 of 4 stars; one submission).

Conditions:
Factor 5 and Factor VIII, combined deficiency of, 2. Identifiers: Orphanet 35909, MedGen C3150889, MONDO:0013331, OMIM 613625.

Allele frequency attached by ClinVar (database versions not stated): 1000 Genomes Project 30x 0.02092; TOPMed 0.02171; gnomAD exomes 0.00417; gnomAD 0.01819; 1000 Genomes Project 0.02077.
gnomAD v4.1: 2,892 of 152,584 alleles (1.9%); highest among the groups gnomAD compares: African/African-American, 6.5%; 101 homozygotes.

Submission:

Illumina Laboratory Services, Illumina
Classification: Benign for Factor 5 and Factor VIII, combined deficiency of, 2. Last evaluated: 2018-01-13. Review status: criteria provided, single submitter. Criteria: ICSL Variant Classification Criteria 13 December 2019. Collection method: clinical testing. Allele origin: germline.
Comment: This variant was observed in the ICSL laboratory as part of a predisposition screen in an ostensibly healthy population. It had not been previously curated by ICSL or reported in the Human Gene Mutation Database (HGMD: prior to June 1st, 2018), and was therefore a candidate for classification through an automated scoring system. Utilizing variant allele frequency, disease prevalence and penetrance estimates, and inheritance mode, an automated score was calculated to assess if this variant is too frequent to cause the disease. Based on the score and internal cut-off values, a variant classified as benign is not then subjected to further curation. The score for this variant resulted in a classification of benign for this disease.